The following is an entry in ClinVar:

NM_004168.4(SDHA):c.457-16T>C

Gene: SDHA (succinate dehydrogenase complex flavoprotein subunit A; plus strand). Cytogenetic location: 5p15.33.
Variant type: single nucleotide variant.
Coding change: c.457-16T>C on transcript NM_004168.4 (MANE Select); 16 bases into the intron before coding-DNA position 457, T replaced by C.
Molecular consequence: intron variant.
Genome position (GRCh38, 1-based): chr5:225,867, T>C. VCF-style: chr5-225867-T-C. GRCh37 (hg19) VCF-style: chr5-225982-T-C.
Other names: c.457-16T>C (NM_001330758.2); c.313-16T>C (NM_001294332.2).
Identifiers: ClinVar variation 1621219 (VCV001621219.11), dbSNP rs371775474, ClinGen allele CA3172850.
Genomic context (GRCh38, chr5:225,867, plus strand): 5'-GTTTAGTGTAGATTAGCTGCGAATATCTTGACTCCTTTAAGGTGTTAAGGTTTTTGTTTG[T>C]TTTTATCTTTCACAGCTAGAAAATTATGGCATGCCGTTTAGCAGAACTGAAGATGGGAAG-3'

ClinVar aggregate classification (germline): Likely benign. Review status: criteria provided, multiple submitters, no conflicts (2 of 4 stars). 4 submissions from 4 submitters: Likely benign (4). Last evaluated 2026-01-08.

Conditions:
Pheochromocytoma/paraganglioma syndrome 5. Also called: Paragangliomas 5; SDHA-Related Hereditary Paraganglioma-Pheochromocytoma Syndrome. Identifiers: Orphanet 29072, MedGen C3279992, MONDO:0013602, OMIM 614165.
Mitochondrial complex II deficiency, nuclear type 1. Also called: SUCCINATE CoQ REDUCTASE DEFICIENCY. Identifiers: Orphanet 3208, MedGen C5700310, MONDO:0100294, OMIM 252011.

Allele frequency attached by ClinVar (database versions not stated): gnomAD exomes below 0.00001 and 0.00001; ExAC 0.00001; gnomAD 0.00001; TOPMed 0.00002; ESP Exome Variant Server 0.00008.
gnomAD v4.1: 13 of 1,612,102 alleles (0.00081%); highest among the groups gnomAD compares: Non-Finnish European, 0.0011%; no homozygotes.

Submissions (4):

Labcorp Genetics (formerly Invitae), Labcorp
Classification: Likely benign for Pheochromocytoma/paraganglioma syndrome 5; Mitochondrial complex II deficiency, nuclear type 1. Last evaluated: 2026-01-08. Review status: criteria provided, single submitter. Criteria: Invitae Variant Classification Sherloc (09022015). Collection method: clinical testing. Allele origin: germline.

Myriad Genetics, Inc.
Classification: Likely benign for Pheochromocytoma/paraganglioma syndrome 5. Last evaluated: 2025-02-28. Review status: criteria provided, single submitter. Criteria: Myriad Autosomal Dominant, Autosomal Recessive and X-Linked Classification Criteria (2023). Collection method: clinical testing. Allele origin: unknown.
Comment: This variant is considered likely benign. This variant is intronic and is not expected to impact mRNA splicing.

Blueprint Genetics
Classification: Likely benign. Last evaluated: 2020-12-10. Review status: criteria provided, single submitter. Criteria: ACMG Guidelines, 2015. Collection method: clinical testing. Allele origin: germline.

Breakthrough Genomics
Classification: Likely benign. Review status: criteria provided, single submitter. Criteria: ACMG Guidelines, 2015. Collection method: not provided. Allele origin: germline. Inheritance: Autosomal recessive inheritance. Affected: yes.